The following is an entry in ClinVar:

NM_001378615.1(CC2D2A):c.4438-9C>A

Genes: CC2D2A (coiled-coil and C2 domain containing 2A; plus strand), FBXL5 (F-box and leucine rich repeat protein 5; minus strand). Cytogenetic location: 4p15.32.
Variant type: single nucleotide variant.
Coding change: c.4438-9C>A on transcript NM_001378615.1 (MANE Select); 9 bases into the intron before coding-DNA position 4438, C replaced by A.
Molecular consequence: intron variant.
Genome position (GRCh38, 1-based): chr4:15,597,398, C>A. VCF-style: chr4-15597398-C-A. GRCh37 (hg19) VCF-style: chr4-15599021-C-A.
Other names: c.4438-9C>A (NM_001080522.2); c.4291-9C>A (NM_001378617.1).
Identifiers: ClinVar variation 238279 (VCV000238279.29), dbSNP rs117667651, ClinGen allele CA2864387.

ClinVar aggregate classification (germline): Conflicting classifications of pathogenicity. Review status: criteria provided, conflicting classifications (1 of 4 stars). 8 submissions from 7 submitters: Uncertain significance (2); Benign (1); Likely benign (4). 1 of the submissions does not count toward it. Last evaluated 2026-01-28.

Conditions:
Joubert syndrome. Also called: Familial aplasia of the vermis; JOUBERT-BOLTSHAUSER SYNDROME. Identifiers: Orphanet 475, MedGen C5979921, MONDO:0018772.
Meckel-Gruber syndrome. Also called: Dysencephalia splachnocystica; DYSENCEPHALIA SPLANCHNOCYSTICA; GRUBER SYNDROME. Identifiers: Orphanet 564, MedGen C0265215, MONDO:0018921.
Joubert syndrome 9 (JBTS9). Identifiers: Orphanet 2318, MedGen C2676788, MONDO:0012849, OMIM 612285.
CC2D2A-related disorder. Also called: CC2D2A-related disorders; CC2D2A-related condition. Identifiers: MedGen CN239313.
Meckel syndrome, type 6. Identifiers: Orphanet 564, MedGen C2676790, MONDO:0012848, OMIM 612284.

Allele frequency attached by ClinVar (database versions not stated): gnomAD 0.00036 and 0.00050; gnomAD exomes 0.00050 and 0.00141; TOPMed 0.00087; ExAC 0.00031; 1000 Genomes Project 30x 0.00172; 1000 Genomes Project 0.00200.
gnomAD v4.1: 783 of 1,546,552 alleles (0.051%); highest among the groups gnomAD compares: East Asian, 1.2%; 2 homozygotes.

Submissions (9):

Labcorp Genetics (formerly Invitae), Labcorp
Classification: Likely benign for Joubert syndrome; Meckel-Gruber syndrome. Last evaluated: 2026-01-28. Review status: criteria provided, single submitter. Criteria: Invitae Variant Classification Sherloc (09022015). Collection method: clinical testing. Allele origin: germline.

Women's Health and Genetics/Laboratory Corporation of America, LabCorp
Classification: Likely benign. Last evaluated: 2024-12-11. Review status: criteria provided, single submitter. Criteria: LabCorp Variant Classification Summary - May 2015. Collection method: clinical testing. Allele origin: germline.

Blueprint Genetics
Classification: Likely benign. Last evaluated: 2024-11-23. Review status: criteria provided, single submitter. Criteria: ACMG Guidelines, 2015. Collection method: clinical testing. Allele origin: germline.

GeneDx
Classification: Likely benign. Last evaluated: 2021-01-30. Review status: criteria provided, single submitter. Criteria: GeneDx Variant Classification Process June 2021. Collection method: clinical testing. Allele origin: germline. Affected: yes.

Illumina Laboratory Services, Illumina
Classification: Uncertain significance for Joubert syndrome 9. Last evaluated: 2018-01-12. Review status: criteria provided, single submitter. Criteria: ICSL Variant Classification Criteria 13 December 2019. Collection method: clinical testing. Allele origin: germline.

Illumina Laboratory Services, Illumina
Classification: Uncertain significance for Meckel syndrome, type 6. Last evaluated: 2018-01-12. Review status: criteria provided, single submitter. Criteria: ICSL Variant Classification Criteria 13 December 2019. Collection method: clinical testing. Allele origin: germline.

Eurofins Ntd Llc (ga)
Classification: Benign. Last evaluated: 2016-02-01. Review status: criteria provided, single submitter. Criteria: EGL Classification Definitions 2015. Collection method: clinical testing. Allele origin: germline. Observed: 1 variant allele, 1 heterozygote.

PreventionGenetics, part of Exact Sciences
Classification: Benign for CC2D2A-related condition. Last evaluated: 2019-07-17. Review status: no assertion criteria provided. Collection method: clinical testing. Allele origin: germline. Not counted in ClinVar's aggregate classification.
Comment: This variant is classified as benign based on ACMG/AMP sequence variant interpretation guidelines (Richards et al. 2015 PMID: 25741868, with internal and published modifications).

Dr. Peter K. Rogan Lab, Western University
No classification provided (evidence only). Condition: Hepatocellular carcinoma. Review status: no classification provided. Collection method: in vitro. Allele origin: not applicable. Functional consequence: retained intron. Not counted in ClinVar's aggregate classification.